The following is an entry in ClinVar:

ClinVar aggregate classification (germline): Uncertain significance. Review status: criteria provided, multiple submitters, no conflicts (2 of 4 stars). 2 submissions from 2 submitters: Uncertain significance (2). Last evaluated 2023-12-28.

Allele frequency attached by ClinVar (database versions not stated): gnomAD exomes 0.00004 and 0.00006; ExAC 0.00012.
gnomAD v4.1: 65 of 1,610,182 alleles (0.004%); highest among the groups gnomAD compares: Non-Finnish European, 0.004%; no homozygotes.

Submissions (2):

Blueprint Genetics
Classification: Uncertain significance. Last evaluated: 2023-12-28. Review status: criteria provided, single submitter. Criteria: ACMG Guidelines, 2015. Collection method: clinical testing. Allele origin: germline.

Labcorp Genetics (formerly Invitae), Labcorp
Classification: Uncertain significance. Last evaluated: 2021-09-01. Review status: criteria provided, single submitter. Criteria: Invitae Variant Classification Sherloc (09022015). Collection method: clinical testing. Allele origin: germline.
Comment: This sequence change falls in intron 2 of the TTLL5 gene. It does not directly change the encoded amino acid sequence of the TTLL5 protein. It affects a nucleotide within the consensus splice site of the intron. This variant is present in population databases (rs751971515, ExAC 0.02%). This variant has not been reported in the literature in individuals affected with TTLL5-related conditions. Variants that disrupt the consensus splice site are a relatively common cause of aberrant splicing (PMID: 17576681, 9536098). Algorithms developed to predict the effect of sequence changes on RNA splicing suggest that this variant may disrupt the consensus splice site. In summary, the available evidence is currently insufficient to determine the role of this variant in disease. Therefore, it has been classified as a Variant of Uncertain Significance.

Literature cited by the submitters: PubMed 17576681 (cited by Labcorp Genetics (formerly Invitae), Labcorp); PubMed 9536098 (cited by Labcorp Genetics (formerly Invitae), Labcorp).

NM_015072.5(TTLL5):c.74+6T>G

Gene: TTLL5 (tubulin tyrosine ligase like 5; plus strand). Cytogenetic location: 14q24.3.
Variant type: single nucleotide variant.
Coding change: c.74+6T>G on transcript NM_015072.5 (MANE Select); 6 bases into the intron after coding-DNA position 74, T replaced by G.
Molecular consequence: intron variant.
Genome position (GRCh38, 1-based): chr14:75,663,229, T>G. VCF-style: chr14-75663229-T-G. GRCh37 (hg19) VCF-style: chr14-76129572-T-G.
Identifiers: ClinVar variation 1046377 (VCV001046377.7), dbSNP rs751971515, ClinGen allele CA7278787.